The following is an entry in ClinVar:

NM_007294.4(BRCA1):c.5414A>C (p.His1805Pro)

Gene: BRCA1 (BRCA1 DNA repair associated; minus strand). Cytogenetic location: 17q21.31.
Variant type: single nucleotide variant.
Coding change: c.5414A>C on transcript NM_007294.4 (MANE Select); coding-DNA position 5414, A replaced by C.
Protein change: p.His1805Pro; replaces histidine 1805 with proline.
Molecular consequence: missense variant. On other transcripts: synonymous variant (17).
Genome position (GRCh38, 1-based): chr17:43,047,696, T>G on the plus strand (A>C on the coding strand, the complement: BRCA1 is on the minus strand). VCF-style: chr17-43047696-T-G. GRCh37 (hg19) VCF-style: chr17-41199713-T-G.
Other names: c.2171A>C, p.His724Pro (NM_001407970.1, NM_001407971.1); c.2168A>C, p.His723Pro (NM_001407972.1); c.2105A>C, p.His702Pro (NM_001407973.1, NM_001407974.1, NM_001407975.1 and 3 more transcripts); c.2102A>C, p.His701Pro (NM_001407979.1, NM_001407992.1, NM_001407993.1 and 11 more transcripts); c.2099A>C, p.His700Pro (NM_001408392.1, NM_001408396.1, NM_001408397.1 and 7 more transcripts); c.2024A>C, p.His675Pro (NM_001408413.1, NM_001408414.1, NM_001408415.1 and 2 more transcripts); c.1988A>C, p.His663Pro (NM_001408418.1, NM_001408419.1, NM_001408420.1); c.1985A>C, p.His662Pro (NM_001408421.1, NM_001408422.1, NM_001408423.1 and 1 more transcripts); and 83 more; short protein forms H1805P, H1758P, H1826P, H701P, H1636P, H1676P, H1677P, H1694P.
Identifiers: ClinVar variation 55569 (VCV000055569.4), dbSNP rs397509281, ClinGen allele CA003579.

ClinVar aggregate classification (germline): not provided (0 of 4 stars; one submission).

Conditions:
Familial cancer of breast. Also called: hereditary breast carcinoma; BREAST CANCER, FAMILIAL; Hereditary breast cancer. Identifiers: Orphanet 227535, MedGen C0346153, MONDO:0016419, OMIM 114480. Disease mechanism: loss of function.

Submissions (2):

Brotman Baty Institute, University of Washington
No classification provided (evidence only). Condition: Breast-ovarian cancer, familial 1. Review status: no classification provided. Collection method: in vitro. Allele origin: not applicable. Functional consequence: functionally_normal. Not counted in ClinVar's aggregate classification.
ClinVar note: "not provided" was previously submitted as the classification for the variant. However, the classification appeared to be based only on an observation of functional data so it was converted to no classification on 2025-07-30.

ClinVar Staff, National Center for Biotechnology Information (NCBI)
No classification provided. Condition: Familial cancer of breast. Review status: no classification provided. Collection method: literature only. Allele origin: germline. Affected: yes.

Literature cited by the submitters: PubMed 16875939 (cited by ClinVar Staff, National Center for Biotechnology Information (NCBI)).